The following is an entry in ClinVar:

NM_001377.3(DYNC2H1):c.4260+1G>A

Gene: DYNC2H1 (dynein cytoplasmic 2 heavy chain 1; plus strand). Cytogenetic location: 11q22.3.
Variant type: single nucleotide variant.
Coding change: c.4260+1G>A on transcript NM_001377.3 (MANE Select); the canonical splice donor site of the intron after coding-DNA position 4260, G replaced by A.
Molecular consequence: splice donor variant.
Genome position (GRCh38, 1-based): chr11:103,158,810, G>A. VCF-style: chr11-103158810-G-A. GRCh37 (hg19) VCF-style: chr11-103029539-G-A.
Other names: c.4260+1G>A (NM_001080463.2).
Identifiers: ClinVar variation 452729 (VCV000452729.2), dbSNP rs1555051794, ClinGen allele CA382276286.
Genomic context (GRCh38, chr11:103,158,810, plus strand): 5'-CTACTAACAATACTTGATCAGCTTCAAAGATGTCAGAAATCATTAAATGAATTTTTGGAG[G>A]CATGTTTTTTAAGAAAAAAATATATAATAAATTGTAAAGTACTTGATATCTTAATTATCT-3'

ClinVar aggregate classification (germline): Likely pathogenic (1 of 4 stars; one submission).

Submission:

GeneDx
Classification: Likely pathogenic. Last evaluated: 2017-10-12. Review status: criteria provided, single submitter. Criteria: GeneDx Variant Classification (06012015). Collection method: clinical testing. Allele origin: germline. Affected: yes.
Comment: The c.4260+1 G>A variant in the DYNC2H1 gene has not been published as a pathogenic variant, nor has it been reported as a benign variant to our knowledge. The c.4260+1 G>A variant is not observed in large population cohorts (Lek et al., 2016). The c.4260+1 G>A canonical splice variant is predicted to destroy the natural splice donor site and lead to abnormal gene splicing. However, in the absence of RNA/functional studies, the actual effect of this sequence change in this individual is unknown. Therefore, this variant is likely pathogenic; however, the possibility that it is benign cannot be excluded.